The following is an entry in ClinVar:

NM_000180.4(GUCY2D):c.308A>T (p.Glu103Val)

Gene: GUCY2D (guanylate cyclase 2D, retinal; plus strand). Cytogenetic location: 17p13.1.
Variant type: single nucleotide variant.
Coding change: c.308A>T on transcript NM_000180.4 (MANE Select); coding-DNA position 308, A replaced by T.
Protein change: p.Glu103Val; replaces glutamic acid 103 with valine.
Molecular consequence: missense variant.
Genome position (GRCh38, 1-based): chr17:8,003,355, A>T. VCF-style: chr17-8003355-A-T. GRCh37 (hg19) VCF-style: chr17-7906673-A-T.
Other names: short protein forms E103V.
Identifiers: ClinVar variation 2925599 (VCV002925599.3), dbSNP rs2545417716, ClinGen allele CA397943161.

ClinVar aggregate classification (germline): Pathogenic (1 of 4 stars; one submission).

Conditions:
Leber congenital amaurosis 1 (LCA1). Also called: RETINAL BLINDNESS, CONGENITAL; Congenital absence of the rods and cones; Leber's congenital tapetoretinal degeneration; Leber's congenital tapetoretinal dysplasia; AMAUROSIS CONGENITA OF LEBER I. Identifiers: Orphanet 65, MedGen C2931258, MONDO:0008764, OMIM 204000.
Cone-rod dystrophy 6 (CORD6). Also called: RETINAL CONE DYSTROPHY 2; Cone dystrophy progressive. Identifiers: Orphanet 1872, MedGen C1866293, MONDO:0011143, OMIM 601777.

Submission:

Labcorp Genetics (formerly Invitae), Labcorp
Classification: Pathogenic for Leber congenital amaurosis 1; Cone-rod dystrophy 6. Last evaluated: 2024-01-22. Review status: criteria provided, single submitter. Criteria: Invitae Variant Classification Sherloc (09022015). Collection method: clinical testing. Allele origin: germline.
Comment: This sequence change replaces glutamic acid, which is acidic and polar, with valine, which is neutral and non-polar, at codon 103 of the GUCY2D protein (p.Glu103Val). This variant is not present in population databases (gnomAD no frequency). This missense change has been observed in individual(s) with GUCY2D-related conditions (PMID: 21602930, 34048777). In at least one individual the data is consistent with being in trans (on the opposite chromosome) from a pathogenic variant. Advanced modeling of protein sequence and biophysical properties (such as structural, functional, and spatial information, amino acid conservation, physicochemical variation, residue mobility, and thermodynamic stability) has been performed at Invitae for this missense variant, however the output from this modeling did not meet the statistical confidence thresholds required to predict the impact of this variant on GUCY2D protein function. This variant disrupts the p.Glu103 amino acid residue in GUCY2D. Other variant(s) that disrupt this residue have been determined to be pathogenic (PMID: 28041643, 29178642; Invitae). This suggests that this residue is clinically significant, and that variants that disrupt this residue are likely to be disease-causing. For these reasons, this variant has been classified as Pathogenic.

Literature cited by the submitters: PubMed 21602930; PubMed 34048777; PubMed 28041643; PubMed 29178642.